The following is an entry in ClinVar:

NM_058216.3(RAD51C):c.434del (p.Pro145fs)

Gene: RAD51C (RAD51 paralog C; plus strand). Cytogenetic location: 17q22.
Variant type: Deletion.
Coding change: c.434del on transcript NM_058216.3 (MANE Select); coding-DNA position 434, one base deleted (C; older notation c.434delC).
Protein change: p.Pro145fs; shifts the reading frame from proline 145.
Molecular consequence: frameshift variant.
Genome position (GRCh38, 1-based): chr17:58,696,722, C deleted; the last of 2 consecutive C bases (chr17:58,696,721-58,696,722); deleting either gives the same sequence. VCF-style (leftmost placement, unchanged base first): chr17-58696720-AC-A. GRCh37 (hg19) VCF-style: chr17-56774081-AC-A.
Other names: short protein forms P145fs.
Identifiers: ClinVar variation 824816 (VCV000824816.6), dbSNP rs1598460116, ClinGen allele CA915950634.
Genomic context (GRCh38, chr17:58,696,720, plus strand): 5'-TGATTTGGTTGTTTGTCATCTTTCTGTTGACAGTATGCAGTTGGCAGTAGATGTGCAGAT[AC>A]CAGAATGTTTTGGAGGAGTGGCAGGTGAAGCAGTTTTTATTGATACAGAGGGAAGTTTTA-3'

ClinVar aggregate classification (germline): Pathogenic. Review status: criteria provided, multiple submitters, no conflicts (2 of 4 stars). 2 submissions from 2 submitters: Pathogenic (2). Last evaluated 2025-08-27.

Conditions:
Hereditary cancer-predisposing syndrome. Also called: Neoplastic Syndromes, Hereditary; Tumor predisposition; Hereditary neoplastic syndrome; Hereditary Cancer Syndrome. Identifiers: Orphanet 140162, MedGen C0027672, MeSH D009386, MONDO:0015356.
Breast-ovarian cancer, familial, susceptibility to, 3. Also called: RAD51C-Related Breast/Ovarian Cancer. Identifiers: Orphanet 145, MedGen C3150659, MONDO:0013253, OMIM 613399.

Submissions (2):

Myriad Genetics, Inc.
Classification: Pathogenic for Breast-ovarian cancer, familial, susceptibility to, 3. Last evaluated: 2025-08-27. Review status: criteria provided, single submitter. Criteria: Myriad Autosomal Dominant, Autosomal Recessive and X-Linked Classification Criteria (2023). Collection method: clinical testing. Allele origin: unknown.
Comment: This variant is considered pathogenic. This variant creates a frameshift predicted to result in premature protein truncation.

Ambry Genetics
Classification: Pathogenic for Hereditary cancer-predisposing syndrome. Last evaluated: 2024-07-26. Review status: criteria provided, single submitter. Criteria: Ambry Variant Classification Scheme 2023. Collection method: clinical testing. Allele origin: germline.
Comment: The c.434delC pathogenic mutation, located in coding exon 3 of the RAD51C gene, results from a deletion of one nucleotide at nucleotide position 434, causing a translational frameshift with a predicted alternate stop codon (p.P145Qfs*26). This variant is considered to be rare based on population cohorts in the Genome Aggregation Database (gnomAD). This alteration is expected to result in loss of function by premature protein truncation or nonsense-mediated mRNA decay. As such, this alteration is interpreted as a disease-causing mutation.